The following is an entry in ClinVar:

ClinVar aggregate classification (germline): Likely pathogenic. Review status: reviewed by expert panel (3 of 4 stars). 4 submissions from 4 submitters: Likely pathogenic (1). 3 of the submissions do not count toward it. Last evaluated 2026-01-04.

Conditions:
Hereditary breast ovarian cancer syndrome. Also called: Hereditary breast and ovarian cancer syndrome; Hereditary breast and ovarian cancer syndrome (HBOC); BRCA1- and BRCA2-Associated Hereditary Breast and Ovarian Cancer; Breast and ovarian cancer; Hereditary breast and ovarian cancer; Hereditary breast and/or ovarian cancer syndrome. Identifiers: Orphanet 145, MedGen C0677776, MeSH D061325, MONDO:0003582. Disease mechanism: loss of function.
BRCA1-related cancer predisposition. Identifiers: MedGen CN377757, MONDO:0700268.
Hereditary cancer-predisposing syndrome. Also called: Hereditary Cancer Syndrome; Hereditary neoplastic syndrome; Tumor predisposition; Neoplastic Syndromes, Hereditary. Identifiers: Orphanet 140162, MedGen C0027672, MeSH D009386, MONDO:0015356.

gnomAD v4.1: 5 of 1,613,658 alleles (0.00031%); highest among the groups gnomAD compares: Non-Finnish European, 0.00042%; no homozygotes.

Submissions (5):

ClinGen ENIGMA BRCA1 and BRCA2 Variant Curation Expert Panel, ClinGen
Classification: Likely pathogenic for BRCA1-related cancer predisposition. Last evaluated: 2026-01-04. Review status: reviewed by expert panel. Criteria: CSpec BRCA12ACMG Rules Specifications V1.1. Collection method: curation. Allele origin: germline. Inheritance: Autosomal dominant inheritance.
Comment: The c.101C>T variant in BRCA1 is a missense variant predicted to cause substitution of proline by leucine at amino acid 34 (p.Pro34Leu). This variant is present in gnomAD v4.1 but is below the ENIGMA BRCA1/2 VCEP threshold >0.00002 for BS1_Supporting (PM2_Supporting, BS1, and BA1 are not met). This BRCA1 missense variant is within a key functional domain and a SpliceAI score of 0.01 predicts no impact on splicing (score threshold ≤0.1). The computational predictor BayesDel (noAF) gives a score of 0.45, above the recommended threshold of 0.28 for prediction of impact on BRCA1 function via protein change (PP3 met). Reported by three calibrated studies to exhibit protein function similar to pathogenic control variants (PMID:30209399, 35659930, 37168384) (PS3 met). Multifactorial likelihood ratio analysis using clinically calibrated data produced a combined LR for this variant of 5.47 (based on Case-Control LR=5.47), within the thresholds for moderate evidence towards pathogenicity (LR ≥4.3 & <18.7) (PP4_Moderate met; PMID: 40413188). In summary, this variant meets the criteria to be classified as a Likely Pathogenic for BRCA1-related cancer predisposition based on the ACMG/AMP criteria applied as specified by the ENIGMA BRCA1/2 VCEP (PP3, PS3, PP4_Moderate).

Ambry Genetics
Classification: Likely pathogenic for Hereditary cancer-predisposing syndrome. Last evaluated: 2024-12-05. Review status: criteria provided, single submitter. Criteria: Ambry Variant Classification Scheme 2023. Collection method: clinical testing. Allele origin: germline. Not counted in ClinVar's aggregate classification.
Comment: The p.P34L variant (also known as c.101C>T), located in coding exon 2 of the BRCA1 gene, results from a C to T substitution at nucleotide position 101. The proline at codon 34 is replaced by leucine, an amino acid with similar properties. One functional study found that this nucleotide substitution is non-functional in a high-throughput, genome editing, haploid cell survival assay (Findlay GM et al. Nature, 2018 10;562:217-222). This variant is considered to be rare based on population cohorts in the Genome Aggregation Database (gnomAD). This amino acid position is highly conserved in available vertebrate species. In addition, this alteration is predicted to be deleterious by in silico analysis. Based on the majority of available evidence to date, this variant is likely to be pathogenic.

Labcorp Genetics (formerly Invitae), Labcorp
Classification: Uncertain significance for Hereditary breast ovarian cancer syndrome. Last evaluated: 2021-04-23. Review status: criteria provided, single submitter. Criteria: Invitae Variant Classification Sherloc (09022015). Collection method: clinical testing. Allele origin: germline. Not counted in ClinVar's aggregate classification.
Comment: This sequence change replaces proline with leucine at codon 34 of the BRCA1 protein (p.Pro34Leu). The proline residue is highly conserved and there is a moderate physicochemical difference between proline and leucine. This variant is not present in population databases (ExAC no frequency). In summary, the available evidence is currently insufficient to determine the role of this variant in disease. Therefore, it has been classified as a Variant of Uncertain Significance. Advanced modeling of experimental studies (such as gene expression, population dynamics, functional pathways, and cell-cycle effects in cell culture) performed at Invitae indicates that this missense variant is expected to disrupt BRCA1 protein function. This variant has not been reported in the literature in individuals with BRCA1-related conditions. ClinVar contains an entry for this variant (Variation ID: 186913).

Quest Diagnostics Nichols Institute San Juan Capistrano
Classification: Uncertain significance. Last evaluated: 2019-08-30. Review status: criteria provided, single submitter. Criteria: Quest Diagnostics criteria. Collection method: clinical testing. Allele origin: unknown. Not counted in ClinVar's aggregate classification.

Brotman Baty Institute, University of Washington
No classification provided (evidence only). Condition: Breast-ovarian cancer, familial 1. Review status: no classification provided. Collection method: in vitro. Allele origin: not applicable. Functional consequence: functionally_abnormal. Not counted in ClinVar's aggregate classification.
ClinVar note: "not provided" was previously submitted as the classification for the variant. However, the classification appeared to be based only on an observation of functional data so it was converted to no classification on 2025-07-30.

Literature cited by the submitters: PubMed 30209399 (cited by ClinGen ENIGMA BRCA1 and BRCA2 Variant Curation Expert Panel, ClinGen and Ambry Genetics); PubMed 25823446 (cited by Ambry Genetics).

NM_007294.4(BRCA1):c.101C>T (p.Pro34Leu)

Gene: BRCA1 (BRCA1 DNA repair associated; minus strand). Cytogenetic location: 17q21.31.
Variant type: single nucleotide variant.
Coding change: c.101C>T on transcript NM_007294.4 (MANE Select); coding-DNA position 101, C replaced by T.
Protein change: p.Pro34Leu; replaces proline 34 with leucine.
Molecular consequence: missense variant. On other transcripts: non-coding transcript variant (1), intron variant (1).
Genome position (GRCh38, 1-based): chr17:43,115,759, G>A on the plus strand (C>T on the coding strand, the complement: BRCA1 is on the minus strand). VCF-style: chr17-43115759-G-A. GRCh37 (hg19) VCF-style: chr17-41267776-G-A.
Other names: NM_007294.4(BRCA1):c.101C>T; p.Pro34Leu; c.101C>T, p.Pro34Leu (NM_007299.4, NM_007300.4, NM_007304.2 and 192 more transcripts); c.-8+8258C>T (NM_007297.4); c.-88C>T (NM_001407571.1, NM_001407853.1, NM_001407879.1 and 52 more transcripts); c.-157C>T (NM_001407694.1, NM_001407696.1, NM_001407724.1 and 13 more transcripts); c.-161C>T (NM_001407695.1, NM_001408465.1); c.-41C>T (NM_001407697.1, NM_001407725.1, NM_001407728.1 and 47 more transcripts); and 4 more; short protein forms P34L.
Identifiers: ClinVar variation 186913 (VCV000186913.18), dbSNP rs786203319, ClinGen allele CA000691.